The following is an entry in ClinVar:

ClinVar aggregate classification (germline): Uncertain significance. Review status: criteria provided, multiple submitters, no conflicts (2 of 4 stars). 2 submissions from 2 submitters: Uncertain significance (2). Last evaluated 2022-07-20.

Allele frequency attached by ClinVar (database versions not stated): gnomAD 0.00001.
gnomAD v4.1: 5 of 1,575,894 alleles (0.00032%); highest among the groups gnomAD compares: African/African-American, 0.0014%; no homozygotes.

Submissions (2):

Ambry Genetics
Classification: Uncertain significance. Last evaluated: 2022-07-20. Review status: criteria provided, single submitter. Criteria: Ambry Variant Classification Scheme 2023. Collection method: clinical testing. Allele origin: germline.

Labcorp Genetics (formerly Invitae), Labcorp
Classification: Uncertain significance. Last evaluated: 2021-12-02. Review status: criteria provided, single submitter. Criteria: Invitae Variant Classification Sherloc (09022015). Collection method: clinical testing. Allele origin: germline.
Comment: This sequence change replaces arginine, which is basic and polar, with proline, which is neutral and non-polar, at codon 162 of the FGFRL1 protein (p.Arg162Pro). In summary, the available evidence is currently insufficient to determine the role of this variant in disease. Therefore, it has been classified as a Variant of Uncertain Significance. Algorithms developed to predict the effect of missense changes on protein structure and function are either unavailable or do not agree on the potential impact of this missense change (SIFT: "Deleterious"; PolyPhen-2: "Probably Damaging"; Align-GVGD: "Class C0"). This variant has not been reported in the literature in individuals affected with FGFRL1-related conditions. This variant is not present in population databases (gnomAD no frequency).

NM_001004356.3(FGFRL1):c.485G>C (p.Arg162Pro)

Gene: FGFRL1 (fibroblast growth factor receptor like 1; plus strand). Cytogenetic location: 4p16.3.
Variant type: single nucleotide variant.
Coding change: c.485G>C on transcript NM_001004356.3 (MANE Select); coding-DNA position 485, G replaced by C.
Protein change: p.Arg162Pro; replaces arginine 162 with proline.
Molecular consequence: missense variant.
Genome position (GRCh38, 1-based): chr4:1,023,868, G>C. VCF-style: chr4-1023868-G-C. GRCh37 (hg19) VCF-style: chr4-1017656-G-C.
Other names: c.485G>C (NM_001004356.2); c.485G>C, p.Arg162Pro (NM_001004358.1, NM_001370296.1, NM_021923.3); short protein forms R162P.
Identifiers: ClinVar variation 1349107 (VCV001349107.9), dbSNP rs761612724, ClinGen allele CA355931113.